The following is an entry in ClinVar:

NM_016333.4(SRRM2):c.6839C>T (p.Ser2280Leu)

Gene: SRRM2 (serine/arginine repetitive matrix 2; plus strand). Cytogenetic location: 16p13.3.
Variant type: single nucleotide variant.
Coding change: c.6839C>T on transcript NM_016333.4 (MANE Select); coding-DNA position 6839, C replaced by T.
Protein change: p.Ser2280Leu; replaces serine 2280 with leucine.
Molecular consequence: missense variant.
Genome position (GRCh38, 1-based): chr16:2,767,367, C>T. VCF-style: chr16-2767367-C-T. GRCh37 (hg19) VCF-style: chr16-2817368-C-T.
Other names: short protein forms S2280L.
Identifiers: ClinVar variation 3366678 (VCV003366678.1).
Genomic context (GRCh38, chr16:2,767,367, plus strand): 5'-GAACGCCAGCTGCAGCAGCGGCCATGAACTTGGCCAGCCCCAGAACAGCGGTGGCACCTT[C>T]GGCTGTGAACCTGGCTGACCCTCGCACTCCCACAGCCCCAGCTGTGAACCTAGCAGGGGC-3'
Protein context (NP_057417.3, residues 2270-2290): LASPRTAVAP[Ser2280Leu]AVNLADPRTP

ClinVar aggregate classification (germline): Uncertain significance (1 of 4 stars; one submission).

gnomAD v4.1: 13 of 1,613,662 alleles (0.00081%); highest among the groups gnomAD compares: African/African-American, 0.0013%; no homozygotes.

Submission:

Women's Health and Genetics/Laboratory Corporation of America, LabCorp
Classification: Uncertain significance. Last evaluated: 2024-08-21. Review status: criteria provided, single submitter. Criteria: LabCorp Variant Classification Summary - May 2015. Collection method: clinical testing. Allele origin: germline.
Comment: Variant summary: SRRM2 c.6839C>T (p.Ser2280Leu) results in a non-conservative amino acid change in the encoded protein sequence. Three of five in-silico tools predict a damaging effect of the variant on protein function. The variant allele was found at a frequency of 2e-05 in 250864 control chromosomes. The available data on variant occurrences in the general population are insufficient to allow any conclusion about variant significance. To our knowledge, no occurrence of c.6839C>T in individuals affected with Intellectual Developmental Disorder, Autosomal Dominant 72 and no experimental evidence demonstrating its impact on protein function have been reported. No submitters have cited clinical-significance assessments for this variant to ClinVar. Based on the evidence outlined above, the variant was classified as uncertain significance.